The following is an entry in ClinVar:

ClinVar aggregate classification (germline): Pathogenic. Review status: criteria provided, single submitter (1 of 4 stars). 2 submissions from 2 submitters: Pathogenic (1). 1 of the submissions does not count toward it. Last evaluated 2021-01-22.

Conditions:
Neuronal ceroid lipofuscinosis 1 (CLN1). Also called: CEROID LIPOFUSCINOSIS, NEURONAL, 1, VARIABLE AGE AT ONSET; PPT1-Related Neuronal Ceroid-Lipofuscinosis. Identifiers: Orphanet 228329, MedGen C1850451, MONDO:0009744, OMIM 256730.

Submissions (2):

Labcorp Genetics (formerly Invitae), Labcorp
Classification: Pathogenic for Neuronal ceroid lipofuscinosis 1. Last evaluated: 2021-01-22. Review status: criteria provided, single submitter. Criteria: Invitae Variant Classification Sherloc (09022015). Collection method: clinical testing. Allele origin: germline.
Comment: For these reasons, this variant has been classified as Pathogenic. This variant disrupts the C-terminus of the PPT1 protein. Other variant(s) that disrupt this region (p.Asp267Thrfs*5) have been determined to be pathogenic (Invitae). This suggests that variants that disrupt this region of the protein are likely to be causative of disease. This variant has not been reported in the literature in individuals with PPT1-related conditions. ClinVar contains an entry for this variant (Variation ID: 557311). This variant is not present in population databases (ExAC no frequency). This sequence change results in a premature translational stop signal in the PPT1 gene (p.Ser241Argfs*31). While this is not anticipated to result in nonsense mediated decay, it is expected to disrupt the last 66 amino acids of the PPT1 protein.

Counsyl
Classification: Likely pathogenic for Neuronal ceroid lipofuscinosis 1. Last evaluated: 2018-03-16. Review status: no assertion criteria provided. Collection method: clinical testing. Allele origin: unknown. Not counted in ClinVar's aggregate classification.

NM_000310.4(PPT1):c.721del (p.Ser241fs)

Gene: PPT1 (palmitoyl-protein thioesterase 1; minus strand). Cytogenetic location: 1p34.2.
Variant type: Deletion.
Coding change: c.721del on transcript NM_000310.4 (MANE Select); coding-DNA position 721, one base deleted (T; older notation c.721delT).
Protein change: p.Ser241fs; shifts the reading frame from serine 241.
Molecular consequence: frameshift variant.
Genome position (GRCh38, 1-based): chr1:40,078,565, A deleted on the plus strand (T on the coding strand, the reverse complement: PPT1 is on the minus strand); the first of 2 consecutive A bases (chr1:40,078,565-40,078,566); deleting either gives the same sequence. VCF-style (leftmost placement, unchanged base first): chr1-40078564-GA-G. GRCh37 (hg19) VCF-style: chr1-40544236-GA-G.
Other names: c.412del, p.Ser138fs (NM_001142604.2); c.721del, p.Ser241fs (NM_001363695.2); c.721delT (NM_000310.3); short protein forms S138fs, S241fs.
Identifiers: ClinVar variation 557311 (VCV000557311.10), dbSNP rs1553166499, ClinGen allele CA658821010.